The following is an entry in ClinVar:

ClinVar aggregate classification (germline): Uncertain significance (1 of 4 stars; one submission).

Allele frequency attached by ClinVar (database versions not stated): ExAC 0.00001.
gnomAD v4.1: 6 of 1,613,942 alleles (0.00037%); highest among the groups gnomAD compares: African/African-American, 0.0013%; no homozygotes.

Submission:

Labcorp Genetics (formerly Invitae), Labcorp
Classification: Uncertain significance. Last evaluated: 2024-01-26. Review status: criteria provided, single submitter. Criteria: Invitae Variant Classification Sherloc (09022015). Collection method: clinical testing. Allele origin: germline.
Comment: This sequence change replaces arginine, which is basic and polar, with glutamine, which is neutral and polar, at codon 1335 of the ARID1A protein (p.Arg1335Gln). This variant also falls at the last nucleotide of exon 16, which is part of the consensus splice site for this exon. This variant is present in population databases (rs756511649, gnomAD 0.002%). This variant has not been reported in the literature in individuals affected with ARID1A-related conditions. Experimental studies and prediction algorithms are not available or were not evaluated, and the functional significance of this variant is currently unknown. Variants that disrupt the consensus splice site are a relatively common cause of aberrant splicing (PMID: 17576681, 9536098). In summary, the available evidence is currently insufficient to determine the role of this variant in disease. Therefore, it has been classified as a Variant of Uncertain Significance.

Literature cited by the submitters: PubMed 17576681; PubMed 9536098.

NM_006015.6(ARID1A):c.4004G>A (p.Arg1335Gln)

Gene: ARID1A (AT-rich interaction domain 1A; plus strand). Cytogenetic location: 1p36.11.
Variant type: single nucleotide variant.
Coding change: c.4004G>A on transcript NM_006015.6 (MANE Select); coding-DNA position 4004, G replaced by A.
Protein change: p.Arg1335Gln; replaces arginine 1335 with glutamine.
Molecular consequence: missense variant.
Genome position (GRCh38, 1-based): chr1:26,773,717, G>A. VCF-style: chr1-26773717-G-A. GRCh37 (hg19) VCF-style: chr1-27100208-G-A.
Other names: c.4004G>A, p.Arg1335Gln (NM_139135.4); short protein forms R1335Q.
Identifiers: ClinVar variation 2715026 (VCV002715026.3), dbSNP rs756511649, ClinGen allele CA707371.
Genomic context (GRCh38, chr1:26,773,717, plus strand): 5'-ACTCGGGGATGTATTCTCCTAGCCGCTACCCCCCGCAGCAGCAGCAGCAGCAGCAGCAAC[G>A]GTGAGTAAAGCCTGGTCTCGGTGCTGCTATGGATCAGGCTTCGCCACTGCCCACCCTAAT-3'
Protein context (NP_006006.3, residues 1325-1345): PPQQQQQQQQ[Arg1335Gln]HDSYGNQFST